The following is an entry in ClinVar:

ClinVar aggregate classification (germline): Uncertain significance (1 of 4 stars; one submission).

Conditions:
Inclusion body myopathy with Paget disease of bone and frontotemporal dementia. Also called: Inclusion body myopathy with early-onset Paget disease and frontotemporal dementia. Identifiers: Orphanet 52430, MedGen C1833662, MONDO:0000507.
Frontotemporal dementia and/or amyotrophic lateral sclerosis 6 (FTDALS6). Also called: VCP-Related Amyotrophic Lateral Sclerosis; VCP-Related Amyotrophic Lateral Sclerosis/Frontotemporal Dementia. Identifiers: Orphanet 275872, Orphanet 803, MedGen C5436279, MONDO:0013501, OMIM 613954.

Submission:

Labcorp Genetics (formerly Invitae), Labcorp
Classification: Uncertain significance for Inclusion body myopathy with Paget disease of bone and frontotemporal dementia; Frontotemporal dementia and/or amyotrophic lateral sclerosis 6. Last evaluated: 2025-11-21. Review status: criteria provided, single submitter. Criteria: Invitae Variant Classification Sherloc (09022015). Collection method: clinical testing. Allele origin: germline.
Comment: This sequence change replaces isoleucine, which is neutral and non-polar, with valine, which is neutral and non-polar, at codon 620 of the VCP protein (p.Ile620Val). This variant is not present in population databases (gnomAD no frequency). This variant has not been reported in the literature in individuals affected with VCP-related conditions. ClinVar contains an entry for this variant (Variation ID: 3755958). Invitae Evidence Modeling of protein sequence and biophysical properties (such as structural, functional, and spatial information, amino acid conservation, physicochemical variation, residue mobility, and thermodynamic stability) indicates that this missense variant is not expected to disrupt VCP protein function with a negative predictive value of 80%. In summary, the available evidence is currently insufficient to determine the role of this variant in disease. Therefore, it has been classified as a Variant of Uncertain Significance.

NM_007126.5(VCP):c.1858A>G (p.Ile620Val)

Gene: VCP (valosin containing protein; minus strand). Cytogenetic location: 9p13.3.
Variant type: single nucleotide variant.
Coding change: c.1858A>G on transcript NM_007126.5 (MANE Select); coding-DNA position 1858, A replaced by G.
Protein change: p.Ile620Val; replaces isoleucine 620 with valine.
Molecular consequence: missense variant.
Genome position (GRCh38, 1-based): chr9:35,059,639, T>C on the plus strand (A>G on the coding strand, the complement: VCP is on the minus strand). VCF-style: chr9-35059639-T-C. GRCh37 (hg19) VCF-style: chr9-35059636-T-C.
Other names: c.1723A>G, p.Ile575Val (NM_001354927.2, NM_001354928.2); short protein forms I575V, I620V.
Identifiers: ClinVar variation 3755958 (VCV003755958.2).